The following is an entry in ClinVar:

NM_000179.3(MSH6):c.1684G>C (p.Asp562His)

Gene: MSH6 (mutS homolog 6; plus strand). Cytogenetic location: 2p16.3.
Variant type: single nucleotide variant.
Coding change: c.1684G>C on transcript NM_000179.3 (MANE Select); coding-DNA position 1684, G replaced by C.
Protein change: p.Asp562His; replaces aspartic acid 562 with histidine.
Molecular consequence: missense variant. On other transcripts: non-coding transcript variant (4), intron variant (2).
Genome position (GRCh38, 1-based): chr2:47,799,667, G>C. VCF-style: chr2-47799667-G-C. GRCh37 (hg19) VCF-style: chr2-48026806-G-C.
Other names: c.1294G>C, p.Asp432His (NM_001281492.2); c.778G>C, p.Asp260His (NM_001281493.2, NM_001281494.2, NM_001406823.1 and 6 more transcripts); c.1780G>C, p.Asp594His (NM_001406795.1, NM_001406802.1); c.1684G>C, p.Asp562His (NM_001406796.1, NM_001406798.1, NM_001406800.1 and 3 more transcripts); c.1387G>C, p.Asp463His (NM_001406797.1, NM_001406801.1, NM_001406805.1 and 10 more transcripts); c.1159G>C, p.Asp387His (NM_001406799.1, NM_001406806.1, NM_001406807.1); c.1606G>C, p.Asp536His (NM_001406804.1); c.1516G>C, p.Asp506His (NM_001406826.1); and 3 more; short protein forms D594H, D463H, D564H, D387H, D432H, D506H, D536H, D260H.
Identifiers: ClinVar variation 4111226 (VCV004111226.1).

ClinVar aggregate classification (germline): Uncertain significance (1 of 4 stars; one submission).

Conditions:
Hereditary cancer-predisposing syndrome. Also called: Tumor predisposition; Neoplastic Syndromes, Hereditary; Hereditary neoplastic syndrome; Hereditary Cancer Syndrome. Identifiers: Orphanet 140162, MedGen C0027672, MeSH D009386, MONDO:0015356.

Submission:

Ambry Genetics
Classification: Uncertain significance for Hereditary cancer-predisposing syndrome. Last evaluated: 2025-08-19. Review status: criteria provided, single submitter. Criteria: Ambry Variant Classification Scheme 2023. Collection method: clinical testing. Allele origin: germline.
Comment: The p.D562H variant (also known as c.1684G>C), located in coding exon 4 of the MSH6 gene, results from a G to C substitution at nucleotide position 1684. The aspartic acid at codon 562 is replaced by histidine, an amino acid with similar properties. This amino acid position is conserved. In addition, this alteration is predicted to be deleterious by in silico analysis. Based on the available evidence, the clinical significance of this variant remains unclear.